The following is an entry in ClinVar:

NM_001044.5(SLC6A3):c.1766A>T (p.Glu589Val)

Gene: SLC6A3 (solute carrier family 6 member 3). Cytogenetic location: 5p15.33.
Variant type: single nucleotide variant.
Coding change: c.1766A>T on transcript NM_001044.5 (MANE Select); coding-DNA position 1766, A replaced by T.
Protein change: p.Glu589Val; replaces glutamic acid 589 with valine.
Molecular consequence: missense variant.
Genome position (GRCh38, 1-based): chr5:1,402,923, T>A on the plus strand (A>T on the coding strand, the complement: SLC6A3 is on the minus strand). VCF-style: chr5-1402923-T-A. GRCh37 (hg19) VCF-style: chr5-1403038-T-A.
Other names: short protein forms E589V.
Identifiers: ClinVar variation 955146 (VCV000955146.10), dbSNP rs757597222, ClinGen allele CA3185933.

ClinVar aggregate classification (germline): Uncertain significance. Review status: criteria provided, multiple submitters, no conflicts (2 of 4 stars). 2 submissions from 2 submitters: Uncertain significance (2). Last evaluated 2022-04-21.

Conditions:
Parkinsonism-dystonia, infantile. Identifiers: Orphanet 238455, MedGen C2751067, MONDO:0013150.

Allele frequency attached by ClinVar (database versions not stated): gnomAD exomes 0.00004 and 0.00006; ExAC 0.00005; gnomAD 0.00007 and 0.00009; TOPMed 0.00008.
gnomAD v4.1: 78 of 1,612,882 alleles (0.0048%); highest among the groups gnomAD compares: Non-Finnish European, 0.001%; no homozygotes.

Submissions (2):

Labcorp Genetics (formerly Invitae), Labcorp
Classification: Uncertain significance for Parkinsonism-dystonia, infantile. Last evaluated: 2022-04-21. Review status: criteria provided, single submitter. Criteria: Invitae Variant Classification Sherloc (09022015). Collection method: clinical testing. Allele origin: germline.
Comment: This sequence change replaces glutamic acid, which is acidic and polar, with valine, which is neutral and non-polar, at codon 589 of the SLC6A3 protein (p.Glu589Val). This variant is present in population databases (rs757597222, gnomAD 0.1%). This variant has not been reported in the literature in individuals affected with SLC6A3-related conditions. ClinVar contains an entry for this variant (Variation ID: 955146). Algorithms developed to predict the effect of missense changes on protein structure and function are either unavailable or do not agree on the potential impact of this missense change (SIFT: "Deleterious"; PolyPhen-2: "Possibly Damaging"; Align-GVGD: "Class C0"). Algorithms developed to predict the effect of sequence changes on RNA splicing suggest that this variant may disrupt the consensus splice site. In summary, the available evidence is currently insufficient to determine the role of this variant in disease. Therefore, it has been classified as a Variant of Uncertain Significance.

GeneDx
Classification: Uncertain significance. Last evaluated: 2019-08-12. Review status: criteria provided, single submitter. Criteria: GeneDx Variant Classification Process June 2021. Collection method: clinical testing. Allele origin: germline. Affected: yes.
Comment: In silico analysis, which includes protein predictors and evolutionary conservation, supports a deleterious effect; Has not been previously published as pathogenic or benign to our knowledge